The following is an entry in ClinVar:

ClinVar aggregate classification (germline): Pathogenic (1 of 4 stars; one submission).

Conditions:
Intellectual developmental disorder, autosomal dominant 1. Also called: Intellectual disability, autosomal dominant 1; MBD5 Haploinsufficiency. Identifiers: Orphanet 228402, MedGen C1969562, MONDO:0007974, OMIM 156200.

Submission:

3billion
Classification: Pathogenic for Intellectual developmental disorder, autosomal dominant 1. Last evaluated: 2022-09-01. Review status: criteria provided, single submitter. Criteria: ACMG Guidelines, 2015. Collection method: clinical testing. Allele origin: germline. Affected: yes. Observed: 1 heterozygote.
Comment: The variant is not observed in the gnomAD v2.1.1 dataset. Frameshift variant is predicted to result in a loss or disruption of normal protein function through nonsense-mediated decay (NMD) or protein truncation. Multiple pathogenic variants are reported downstream of the variant. The variant has been previously reported as de novo in a similarly affected individual (PMID: 32193494). The variant has been reported to be associated with MBD5 -related disorder (PMID: 32193494). Therefore, this variant is classified as Pathogenic according to the recommendation of ACMG/AMP guideline.

Literature cited by the submitters: PubMed 32193494.

NM_001378120.1(MBD5):c.14_15del (p.Lys5fs)

Gene: MBD5 (methyl-CpG binding domain protein 5; plus strand). Cytogenetic location: 2q23.1.
Variant type: Deletion.
Coding change: c.14_15del on transcript NM_001378120.1 (MANE Select); coding-DNA positions 14 to 15, 2 bases deleted (AA; older notation c.14_15delAA).
Protein change: p.Lys5fs; shifts the reading frame from lysine 5.
Molecular consequence: frameshift variant.
Genome position (GRCh38, 1-based): chr2:148,458,772-148,458,773, AA deleted; deleting any 2 consecutive bases within chr2:148,458,771-148,458,773 gives the same sequence; the c. name uses the placement nearest the transcript's 3' end. VCF-style (leftmost placement, unchanged base first): chr2-148458770-CAA-C. GRCh37 (hg19) VCF-style: chr2-149216339-CAA-C.
Other names: c.14_15del, p.Lys5fs (NM_018328.5); short protein forms K5fs.
Identifiers: ClinVar variation 1705638 (VCV001705638.1), dbSNP rs2469777382, ClinGen allele CA2573335006.